The following is an entry in ClinVar:

ClinVar aggregate classification (germline): Conflicting classifications of pathogenicity. Review status: criteria provided, conflicting classifications (1 of 4 stars). 3 submissions from 3 submitters: Uncertain significance (2); Likely benign (1). Last evaluated 2025-10-09.

Conditions:
PKD1-related disorder. Also called: PKD1-related condition.
Inborn genetic diseases. Identifiers: MedGen C0950123, MeSH D030342.

Allele frequency attached by ClinVar (database versions not stated): gnomAD exomes 0.00001; TOPMed 0.00011; gnomAD 0.00015; 1000 Genomes Project 30x 0.00031.
gnomAD v4.1: 39 of 1,300,742 alleles (0.003%); highest among the groups gnomAD compares: African/African-American, 0.047%; no homozygotes.

Submissions (3):

PreventionGenetics, part of Exact Sciences
Classification: Likely benign for PKD1-related condition. Last evaluated: 2025-10-09. Review status: criteria provided, single submitter. Criteria: ACMG Guidelines, 2015. Collection method: clinical testing. Allele origin: germline.
Comment: This variant is classified as likely benign based on ACMG/AMP sequence variant interpretation guidelines (Richards et al. 2015 PMID: 25741868, with internal and published modifications).

Genetic Services Laboratory, University of Chicago
Classification: Uncertain significance. Last evaluated: 2023-09-12. Review status: criteria provided, single submitter. Criteria: ACMG Guidelines, 2015. Collection method: clinical testing. Allele origin: germline. Affected: no.
Comment: DNA sequence analysis of the PKD1 gene demonstrated a sequence change, c.1151G>A, in exon 5 that results in an amino acid change, p.Gly384Asp. This sequence change does not appear to have been previously described in individuals with PKD1-related disorders. This sequence change has been described in the gnomAD database with a frequency of 0.055% in the African/African-American subpopulation (dbSNP rs927924905). The p.Gly384Asp change affects a moderately conserved amino acid residue located in a domain of the PKD1 protein that is known to be functional. The p.Gly384Asp substitution appears to be benign/possibly benign using several in-silico pathogenicity prediction tools (SIFT, PolyPhen2, Align GVGD, REVEL). Due to insufficient evidence and the lack of functional studies, the clinical significance of the p.Gly384Asp change remains unknown at this time.

Ambry Genetics
Classification: Uncertain significance for Inborn genetic diseases. Last evaluated: 2023-01-06. Review status: criteria provided, single submitter. Criteria: Ambry Variant Classification Scheme 2023. Collection method: clinical testing. Allele origin: germline.

NM_001009944.3(PKD1):c.1151G>A (p.Gly384Asp)

Gene: PKD1 (polycystin 1, transient receptor potential channel interacting; minus strand). Cytogenetic location: 16p13.3.
Variant type: single nucleotide variant.
Coding change: c.1151G>A on transcript NM_001009944.3 (MANE Select); coding-DNA position 1151, G replaced by A.
Protein change: p.Gly384Asp; replaces glycine 384 with aspartic acid.
Molecular consequence: missense variant.
Genome position (GRCh38, 1-based): chr16:2,117,841, C>T on the plus strand (G>A on the coding strand, the complement: PKD1 is on the minus strand). VCF-style: chr16-2117841-C-T. GRCh37 (hg19) VCF-style: chr16-2167842-C-T.
Other names: c.1151G>A, p.Gly384Asp (NM_000296.4); short protein forms G384D.
Identifiers: ClinVar variation 2469220 (VCV002469220.5), dbSNP rs927924905, ClinGen allele CA276783400.